The following is an entry in ClinVar:

NM_000059.4(BRCA2):c.4456_4459del (p.Val1486fs)

Gene: BRCA2 (BRCA2 DNA repair associated; plus strand). Cytogenetic location: 13q13.1.
Variant type: Deletion.
Coding change: c.4456_4459del on transcript NM_000059.4 (MANE Select); coding-DNA positions 4456 to 4459, 4 bases deleted (GTTA; older notation c.4456_4459delGTTA).
Protein change: p.Val1486fs; shifts the reading frame from valine 1486.
Molecular consequence: frameshift variant.
Genome position (GRCh38, 1-based): chr13:32,338,811-32,338,814, GTTA deleted; deleting any 4 consecutive bases within chr13:32,338,809-32,338,814 gives the same sequence; the c. name uses the placement nearest the transcript's 3' end. VCF-style (leftmost placement, unchanged base first): chr13-32338808-ATAGT-A. GRCh37 (hg19) VCF-style: chr13-32912945-ATAGT-A.
Other names: 4682del4; 4684del4; c.4456_4459delGTTA (NM_000059.3).
Identifiers: ClinVar variation 51650 (VCV000051650.64), dbSNP rs80359449, ClinGen allele CA020201.

ClinVar aggregate classification (germline): Pathogenic. Review status: reviewed by expert panel (3 of 4 stars). 12 submissions from 12 submitters: Pathogenic (1). 11 of the submissions do not count toward it. Last evaluated 2016-09-08.

Conditions:
Hereditary breast ovarian cancer syndrome. Also called: Hereditary breast and ovarian cancer syndrome; Hereditary breast and ovarian cancer; Hereditary breast and ovarian cancer syndrome (HBOC); Breast and ovarian cancer; Hereditary breast and/or ovarian cancer syndrome; BRCA1- and BRCA2-Associated Hereditary Breast and Ovarian Cancer. Identifiers: Orphanet 145, MedGen C0677776, MeSH D061325, MONDO:0003582. Disease mechanism: loss of function.
Breast-ovarian cancer, familial, susceptibility to, 2 (BROVCA2). Also called: BRCA2 Hereditary Breast and Ovarian Cancer. Identifiers: Orphanet 145, MedGen C2675520, MONDO:0012933, OMIM 612555. Disease mechanism: loss of function.
Hereditary cancer-predisposing syndrome. Also called: Neoplastic Syndromes, Hereditary; Tumor predisposition; Hereditary Cancer Syndrome; Hereditary neoplastic syndrome. Identifiers: Orphanet 140162, MedGen C0027672, MeSH D009386, MONDO:0015356.
BRCA2-related cancer predisposition. Identifiers: MedGen CN377758, MONDO:0700269.

Submissions (12):

Evidence-based Network for the Interpretation of Germline Mutant Alleles (ENIGMA)
Classification: Pathogenic for Breast-ovarian cancer, familial, susceptibility to, 2. Last evaluated: 2016-09-08. Review status: reviewed by expert panel. Criteria: ENIGMA BRCA1/2 Classification Criteria (2015). Collection method: curation. Allele origin: germline.
Comment: Variant allele predicted to encode a truncated non-functional protein.

Labcorp Genetics (formerly Invitae), Labcorp
Classification: Pathogenic for Hereditary breast ovarian cancer syndrome. Last evaluated: 2026-01-19. Review status: criteria provided, single submitter. Criteria: Invitae Variant Classification Sherloc (09022015). Collection method: clinical testing. Allele origin: germline. Not counted in ClinVar's aggregate classification.
Comment: This sequence change creates a premature translational stop signal (p.Val1486Asnfs*5) in the BRCA2 gene. It is expected to result in an absent or disrupted protein product. Loss-of-function variants in BRCA2 are known to be pathogenic (PMID: 20104584). This variant is present in population databases (rs80359449, gnomAD 0.01%). This premature translational stop signal has been observed in individual(s) with breast cancer (PMID: 10550133, 26681312, 28008555). This variant is also known as 4684del4. ClinVar contains an entry for this variant (Variation ID: 51650). For these reasons, this variant has been classified as Pathogenic.

Ambry Genetics
Classification: Pathogenic for Hereditary cancer-predisposing syndrome. Last evaluated: 2024-11-07. Review status: criteria provided, single submitter. Criteria: Ambry Variant Classification Scheme 2023. Collection method: clinical testing. Allele origin: germline. Not counted in ClinVar's aggregate classification.
Comment: The c.4456_4459delGTTA pathogenic mutation, located in coding exon 10 of the BRCA2 gene, results from a deletion of 4 nucleotides at nucleotide positions 4456 to 4459, causing a translational frameshift with a predicted alternate stop codon (p.V1486Nfs*5). This alteration has been identified in breast and/or ovarian, male breast cancer and prostate cancer cohorts (Verhoog LC et al. J. Clin. Oncol. 1999 Nov; 17(11):3396-402; van der Hout AH et al. Hum Mutat, 2006 Jul;27:654-66; Pritzlaff M et al. Breast Cancer Res Treat. 2017 Feb;161(3):575-586; Moses M et al. Oncotarget, 2020 Jan;11:15-21). Additionally, this alteration was identified in a large, worldwide study of BRCA1/2 mutation positive families (Rebbeck TR et al. Hum Mutat, 2018 05;39:593-620). In addition to the clinical data presented in the literature, this alteration is expected to result in loss of function by premature protein truncation or nonsense-mediated mRNA decay. As such, this alteration is interpreted as a disease-causing mutation.

All of Us Research Program, National Institutes of Health
Classification: Pathogenic for BRCA2-related cancer predisposition. Last evaluated: 2024-07-10. Review status: criteria provided, single submitter. Criteria: ACMG Guidelines, 2015. Collection method: clinical testing. Allele origin: germline. Inheritance: Autosomal dominant inheritance. Observed: 2 variant alleles, 2 heterozygotes. Not counted in ClinVar's aggregate classification.
Comment: This variant deletes 4 nucleotides in exon 11 of the BRCA2 gene, creating a frameshift and premature translation stop signal. This variant is expected to result in an absent or non-functional protein product. This variant is also known as 4684del4 and 4682del4 in the literature. This variant has been reported in individuals affected with breast cancer (PMID: 25428789, 26681312, 28008555), ovarian cancer (PMID: 28888541) and in at least three suspected hereditary breast and ovarian cancer families (PMID: 10550133, 29446198). This variant has been identified in 1/31404 chromosomes in the general population by the Genome Aggregation Database (gnomAD). Loss of BRCA2 function is a known mechanism of disease. Based on the available evidence, this variant is classified as Pathogenic.

This study involves interpretation of variants in research participants for the purpose of population health screening. Participant phenotype was not available at the time of variant classification. Additional details can be found in publication PMID: 35346344, PMCID: PMC8962531

Quest Diagnostics Nichols Institute San Juan Capistrano
Classification: Pathogenic. Last evaluated: 2023-06-23. Review status: criteria provided, single submitter. Criteria: Quest Diagnostics criteria. Collection method: clinical testing. Allele origin: unknown. Not counted in ClinVar's aggregate classification.
Comment: The BRCA2 c.4456_4459del (p.Val1486Asnfs*5) variant alters the translational reading frame of the BRCA2 mRNA and causes the premature termination of BRCA2 protein synthesis. This variant has been reported in the published literature in individuals with breast and/or ovarian cancer (PMIDs: 28888541 (2017), 28008555 (2017), 26681312 (2015), 25428789 (2015), 10550133 (1999)) and prostate cancer (PMID: 32002120 (2020)). The frequency of this variant in the general population, 0.000032 (1/31404 chromosomes (Genome Aggregation Database)), is consistent with pathogenicity. Based on the available information, this variant is classified as pathogenic.

GeneDx
Classification: Pathogenic. Last evaluated: 2022-01-19. Review status: criteria provided, single submitter. Criteria: GeneDx Variant Classification Process June 2021. Collection method: clinical testing. Allele origin: germline. Affected: yes. Not counted in ClinVar's aggregate classification.
Comment: Frameshift variant predicted to result in protein truncation or nonsense mediated decay in a gene for which loss-of-function is a known mechanism of disease; Observed in individuals with a personal or family history consistent with pathogenic variants in this gene (Verhoog 1999, Churpek 2015, Susswein 2016, Pritzlaff 2017); Not observed at a significant frequency in large population cohorts (gnomAD); Truncating variants in this gene are considered pathogenic by a well-established clinical consortium and/or database; Also known as 4684_4687delGTTA or 4454_4457delTAGT; This variant is associated with the following publications: (PMID: 18403564, 10550133, 16683254, 28008555, 26681312, 25428789, 21305653, 30720243, 30787465)

Women's Health and Genetics/Laboratory Corporation of America, LabCorp
Classification: Pathogenic for Hereditary breast and ovarian cancer syndrome. Last evaluated: 2017-10-05. Review status: criteria provided, single submitter. Criteria: LabCorp Variant Classification Summary - May 2015. Collection method: clinical testing. Allele origin: germline. Not counted in ClinVar's aggregate classification.
Comment: Variant summary: The BRCA2 c.4456_4459delGTTA (p.Val1486AsnfsX5) variant results in a premature termination codon, predicted to cause a truncated or absent BRCA2 protein due to nonsense mediated decay, which are commonly known mechanisms for disease. One in silico tool predicts a damaging outcome for this variant. Truncations downstream of this position have been classified as pathogenic by our laboratory (e.g. c.4471_4474delCTGA (p.Leu1491fsX12), c.4472_4475delTGAA (p.Leu1491fsX12), c.4478_4481delAAAG (p.Glu1493fsX10)). This variant has been reported in individuals and families affected by breast cancer in the literature (Verhoog 2001, Churpek 2014, Susswein 2015), but was absent in 30966 control chromosomes. In addition, multiple clinical diagnostic laboratories/reputable databases classified this variant as pathogenic. Taken together, this variant is classified as pathogenic.

Consortium of Investigators of Modifiers of BRCA1/2 (CIMBA), c/o University of Cambridge
Classification: Pathogenic for Breast-ovarian cancer, familial, susceptibility to, 2. Last evaluated: 2015-10-02. Review status: criteria provided, single submitter. Criteria: CIMBA Mutation Classification guidelines May 2016. Collection method: clinical testing. Allele origin: germline. Not counted in ClinVar's aggregate classification.

Sharing Clinical Reports Project (SCRP)
Classification: Pathogenic for Breast-ovarian cancer, familial 2. Last evaluated: 2012-09-06. Review status: no assertion criteria provided. Collection method: clinical testing. Allele origin: germline. Not counted in ClinVar's aggregate classification.

Breast Cancer Information Core (BIC) (BRCA2)
Classification: Pathogenic for Breast-ovarian cancer, familial 2. Last evaluated: 1998-08-25. Review status: no assertion criteria provided. Collection method: clinical testing. Allele origin: germline. Affected: yes. Observed: 1 variant allele. Not counted in ClinVar's aggregate classification.

Clinical Genetics DNA and cytogenetics Diagnostics Lab, Erasmus MC, Erasmus Medical Center
Classification: Pathogenic. Review status: no assertion criteria provided. Collection method: clinical testing. Allele origin: germline. Affected: yes. Study: VKGL Data-share Consensus. Not counted in ClinVar's aggregate classification.

Clinical Genetics Laboratory, Department of Pathology, Netherlands Cancer Institute
Classification: Pathogenic. Review status: no assertion criteria provided. Collection method: clinical testing. Allele origin: germline. Affected: yes. Study: VKGL Data-share Consensus. Not counted in ClinVar's aggregate classification.

Literature cited by the submitters: PubMed 20104584 (cited by Labcorp Genetics (formerly Invitae), Labcorp); PubMed 10550133 (cited by 4 submitters); PubMed 26681312 (cited by 4 submitters); PubMed 28008555 (cited by 4 submitters); PubMed 16683254 (cited by Ambry Genetics and Quest Diagnostics Nichols Institute San Juan Capistrano); PubMed 29446198 (cited by 3 submitters); PubMed 32002120 (cited by Ambry Genetics and Quest Diagnostics Nichols Institute San Juan Capistrano); PubMed 25428789 (cited by 3 submitters); PubMed 28888541 (cited by All of Us Research Program, National Institutes of Health and Quest Diagnostics Nichols Institute San Juan Capistrano); PubMed 30720243 (cited by Quest Diagnostics Nichols Institute San Juan Capistrano); PubMed 11597388 (cited by Women's Health and Genetics/Laboratory Corporation of America, LabCorp).